The following is an entry in ClinVar:

ClinVar aggregate classification (germline): Uncertain significance (1 of 4 stars; one submission).

Conditions:
Inborn genetic diseases. Identifiers: MedGen C0950123, MeSH D030342.

Submission:

Ambry Genetics
Classification: Uncertain significance for Inborn genetic diseases. Last evaluated: 2025-04-11. Review status: criteria provided, single submitter. Criteria: Ambry Variant Classification Scheme 2023. Collection method: clinical testing. Allele origin: germline.
Comment: The p.R70L variant (also known as c.209G>T), located in coding exon 1 of the SAMD9L gene, results from a G to T substitution at nucleotide position 209. The arginine at codon 70 is replaced by leucine, an amino acid with dissimilar properties. This amino acid position is conserved. In addition, this alteration is predicted to be tolerated by in silico analysis. Based on the available evidence, the clinical significance of this variant remains unclear.

NM_152703.5(SAMD9L):c.209G>T (p.Arg70Leu)

Gene: SAMD9L (sterile alpha motif domain containing 9 like; minus strand). Cytogenetic location: 7q21.2.
Variant type: single nucleotide variant.
Coding change: c.209G>T on transcript NM_152703.5 (MANE Select); coding-DNA position 209, G replaced by T.
Protein change: p.Arg70Leu; replaces arginine 70 with leucine.
Molecular consequence: missense variant.
Genome position (GRCh38, 1-based): chr7:93,135,763, C>A on the plus strand (G>T on the coding strand, the complement: SAMD9L is on the minus strand). VCF-style: chr7-93135763-C-A. GRCh37 (hg19) VCF-style: chr7-92765076-C-A.
Other names: c.209G>T, p.Arg70Leu (NM_001303496.3, NM_001303497.3, NM_001303498.3 and 5 more transcripts); short protein forms R70L.
Identifiers: ClinVar variation 3949826 (VCV003949826.1).